The following is an entry in ClinVar:

NM_001177316.2(SLC34A3):c.1483G>A (p.Gly495Arg)

Gene: SLC34A3 (solute carrier family 34 member 3; plus strand). Cytogenetic location: 9q34.3.
Variant type: single nucleotide variant.
Coding change: c.1483G>A on transcript NM_001177316.2 (MANE Select); coding-DNA position 1483, G replaced by A.
Protein change: p.Gly495Arg; replaces glycine 495 with arginine.
Molecular consequence: missense variant.
Genome position (GRCh38, 1-based): chr9:137,236,099, G>A. VCF-style: chr9-137236099-G-A. GRCh37 (hg19) VCF-style: chr9-140130551-G-A.
Other names: c.1483G>A (NM_080877.2); c.1483G>A, p.Gly495Arg (NM_001177317.2, NM_080877.3); short protein forms G495R.
Identifiers: ClinVar variation 2418960 (VCV002418960.4), dbSNP rs367896891, ClinGen allele CA5364966.

ClinVar aggregate classification (germline): Uncertain significance. Review status: criteria provided, multiple submitters, no conflicts (2 of 4 stars). 2 submissions from 2 submitters: Uncertain significance (2). Last evaluated 2026-05-15.

Conditions:
SLC34A3-related disorder. Also called: SLC34A3-related condition.

Allele frequency attached by ClinVar (database versions not stated): ExAC 0.00003; gnomAD 0.00003; TOPMed 0.00003; gnomAD exomes 0.00005; ESP Exome Variant Server 0.00008.
gnomAD v4.1: 77 of 1,611,970 alleles (0.0048%); highest among the groups gnomAD compares: Non-Finnish European, 0.0059%; no homozygotes.

Submissions (2):

PreventionGenetics, part of Exact Sciences
Classification: Uncertain significance for SLC34A3-related condition. Last evaluated: 2026-05-15. Review status: criteria provided, single submitter. Criteria: ACMG Guidelines, 2015. Collection method: clinical testing. Allele origin: germline.
Comment: The SLC34A3 c.1483G>A variant is predicted to result in the amino acid substitution p.Gly495Arg. This variant has been reported in homozygous state in an individual with hereditary hypophosphataemic rickets with hypercalciuria (Tang et al. 2019. PubMed ID: 31352694). This variant is reported in 0.013% of alleles in individuals of African descent in gnomAD. At this time, the clinical significance of this variant is uncertain due to the absence of conclusive functional and genetic evidence.

Labcorp Genetics (formerly Invitae), Labcorp
Classification: Uncertain significance. Last evaluated: 2022-06-21. Review status: criteria provided, single submitter. Criteria: Invitae Variant Classification Sherloc (09022015). Collection method: clinical testing. Allele origin: germline.
Comment: This sequence change replaces glycine, which is neutral and non-polar, with arginine, which is basic and polar, at codon 495 of the SLC34A3 protein (p.Gly495Arg). This variant is present in population databases (rs367896891, gnomAD 0.01%). This missense change has been observed in individual(s) with clinical features of hypophosphatemic rickets with hypercalciuria and/or SLC34A3-related conditions (PMID: 31352694; Invitae). In at least one individual the data is consistent with being in trans (on the opposite chromosome) from a pathogenic variant. Algorithms developed to predict the effect of missense changes on protein structure and function (SIFT, PolyPhen-2, Align-GVGD) all suggest that this variant is likely to be tolerated. In summary, the available evidence is currently insufficient to determine the role of this variant in disease. Therefore, it has been classified as a Variant of Uncertain Significance.

Literature cited by the submitters: PubMed 31352694 (cited by Labcorp Genetics (formerly Invitae), Labcorp).